The following is an entry in ClinVar:

ClinVar aggregate classification (germline): Likely benign (1 of 4 stars; one submission).

gnomAD v4.1: 6 of 1,610,572 alleles (0.00037%); highest among the groups gnomAD compares: Non-Finnish European, 0.00034%; no homozygotes.

Submission:

CeGaT Center for Human Genetics Tuebingen
Classification: Likely benign. Last evaluated: 2022-05-01. Review status: criteria provided, single submitter. Criteria: CeGaT Center For Human Genetics Tuebingen Variant Classification Criteria Version 2. Collection method: clinical testing. Allele origin: germline. Affected: yes. Observed: 1 variant allele.
Comment: NEK1: PM2:Supporting, BP4, BP7

NM_001199397.3(NEK1):c.1122A>G (p.Glu374=)

Gene: NEK1 (NIMA related kinase 1; minus strand). Cytogenetic location: 4q33.
Variant type: single nucleotide variant.
Coding change: c.1122A>G on transcript NM_001199397.3 (MANE Select); coding-DNA position 1122, A replaced by G.
Protein change: p.Glu374=; no amino-acid change (glutamic acid 374 retained).
Molecular consequence: synonymous variant. On other transcripts: non-coding transcript variant (2).
Genome position (GRCh38, 1-based): chr4:169,561,850, T>C on the plus strand (A>G on the coding strand, the complement: NEK1 is on the minus strand). VCF-style: chr4-169561850-T-C. GRCh37 (hg19) VCF-style: chr4-170483001-T-C.
Other names: c.1122A>G, p.Glu374= (NM_001199398.3, NM_001199399.3, NM_001199400.3 and 7 more transcripts).
Identifiers: ClinVar variation 2655182 (VCV002655182.24), dbSNP rs992324423, ClinGen allele CA442293617.
Genomic context (GRCh38, chr4:169,561,850, plus strand): 5'-TAACAACTTGCCAAAGGTAGAAAAACAAGAGCAAAAAACTACCTGATCCTTTTGTTTCTT[T>C]TCTTTTTCAATAAATTCCAGCCTTCTCTTTCTTGCTGCTTCCTTAAATAAAAAAAAGAAC-3'
Protein context (NP_001186326.1, residues 364-384): RKRRLEFIEK[Glu374=]KKQKDQIISL